The following is an entry in ClinVar:

ClinVar aggregate classification (germline): Uncertain significance. Review status: criteria provided, multiple submitters, no conflicts (2 of 4 stars). 2 submissions from 2 submitters: Uncertain significance (2). Last evaluated 2024-04-06.

Conditions:
Hypophosphatemic rickets, autosomal recessive, 1 (ARHR1). Also called: HYPOPHOSPHATEMIA, AUTOSOMAL RECESSIVE. Identifiers: Orphanet 289176, MedGen C4551495, MONDO:0009430, OMIM 241520. Disease mechanism: loss of function.

Allele frequency attached by ClinVar (database versions not stated): gnomAD exomes below 0.00001; gnomAD 0.00002; TOPMed 0.00002; ESP Exome Variant Server 0.00008.
gnomAD v4.1: 4 of 1,614,008 alleles (0.00025%); highest among the groups gnomAD compares: African/African-American, 0.0053%; no homozygotes.

Submissions (2):

Fulgent Genetics
Classification: Uncertain significance for Hypophosphatemic rickets, autosomal recessive, 1. Last evaluated: 2024-04-06. Review status: criteria provided, single submitter. Criteria: ACMG Guidelines, 2015. Collection method: clinical testing. Allele origin: germline.

GeneDx
Classification: Uncertain significance. Last evaluated: 2022-03-22. Review status: criteria provided, single submitter. Criteria: GeneDx Variant Classification Process June 2021. Collection method: clinical testing. Allele origin: germline. Affected: yes.
Comment: In silico analysis supports that this missense variant has a deleterious effect on protein structure/function; Has not been previously published as pathogenic or benign to our knowledge

NM_004407.4(DMP1):c.809A>C (p.Lys270Thr)

Genes: DMP1-AS1 (DMP1 and DSPP antisense RNA 1; minus strand), DMP1 (dentin matrix acidic phosphoprotein 1; plus strand). Cytogenetic location: 4q22.1.
Variant type: single nucleotide variant.
Coding change: c.809A>C on transcript NM_004407.4 (MANE Select); coding-DNA position 809, A replaced by C.
Protein change: p.Lys270Thr; replaces lysine 270 with threonine.
Molecular consequence: missense variant.
Genome position (GRCh38, 1-based): chr4:87,662,587, A>C. VCF-style: chr4-87662587-A-C. GRCh37 (hg19) VCF-style: chr4-88583739-A-C.
Other names: c.761A>C, p.Lys254Thr (NM_001079911.3); short protein forms K254T, K270T.
Identifiers: ClinVar variation 1707165 (VCV001707165.3), dbSNP rs377338877, ClinGen allele CA101381851.